The following is an entry in ClinVar:

ClinVar aggregate classification (germline): Uncertain significance (1 of 4 stars; one submission).

Allele frequency attached by ClinVar (database versions not stated): gnomAD 0.00001; ExAC 0.00002; gnomAD exomes 0.00002; TOPMed 0.00002; ESP Exome Variant Server 0.00016.
gnomAD v4.1: 12 of 1,613,522 alleles (0.00074%); highest among the groups gnomAD compares: East Asian, 0.0045%; no homozygotes.

Submission:

GeneDx
Classification: Uncertain significance. Last evaluated: 2022-05-20. Review status: criteria provided, single submitter. Criteria: GeneDx Variant Classification Process June 2021. Collection method: clinical testing. Allele origin: germline. Affected: yes.
Comment: Not observed at significant frequency in large population cohorts (gnomAD); In silico analysis supports that this missense variant has a deleterious effect on protein structure/function; Has not been previously published as pathogenic or benign to our knowledge

NM_002972.4(SBF1):c.1393C>T (p.Arg465Cys)

Gene: SBF1 (SET binding factor 1; minus strand). Cytogenetic location: 22q13.33.
Variant type: single nucleotide variant.
Coding change: c.1393C>T on transcript NM_002972.4 (MANE Select); coding-DNA position 1393, C replaced by T.
Protein change: p.Arg465Cys; replaces arginine 465 with cysteine.
Molecular consequence: missense variant.
Genome position (GRCh38, 1-based): chr22:50,464,857, G>A on the plus strand (C>T on the coding strand, the complement: SBF1 is on the minus strand). VCF-style: chr22-50464857-G-A. GRCh37 (hg19) VCF-style: chr22-50903286-G-A.
Other names: c.1396C>T, p.Arg466Cys (NM_001365819.1, NM_001410794.1); c.1393C>T, p.Arg465Cys (NM_001410795.1, NM_197971.1); short protein forms R465C, R466C.
Identifiers: ClinVar variation 1800672 (VCV001800672.1), dbSNP rs375865140, ClinGen allele CA10317691.